The following is an entry in ClinVar:

NM_006343.3(MERTK):c.2405C>T (p.Pro802Leu)

Gene: MERTK (MER proto-oncogene, tyrosine kinase; plus strand). Cytogenetic location: 2q13.
Variant type: single nucleotide variant.
Coding change: c.2405C>T on transcript NM_006343.3 (MANE Select); coding-DNA position 2405, C replaced by T.
Protein change: p.Pro802Leu; replaces proline 802 with leucine.
Molecular consequence: missense variant.
Genome position (GRCh38, 1-based): chr2:112,022,313, C>T. VCF-style: chr2-112022313-C-T. GRCh37 (hg19) VCF-style: chr2-112779890-C-T.
Other names: short protein forms P802L.
Identifiers: ClinVar variation 2104106 (VCV002104106.3), dbSNP rs760889132, ClinGen allele CA53592247.

ClinVar aggregate classification (germline): Uncertain significance (1 of 4 stars; one submission).

Allele frequency attached by ClinVar (database versions not stated): gnomAD 0.00001.
gnomAD v4.1: 5 of 1,614,070 alleles (0.00031%); highest among the groups gnomAD compares: African/African-American, 0.0053%; no homozygotes.

Submission:

Labcorp Genetics (formerly Invitae), Labcorp
Classification: Uncertain significance. Last evaluated: 2022-02-27. Review status: criteria provided, single submitter. Criteria: Invitae Variant Classification Sherloc (09022015). Collection method: clinical testing. Allele origin: germline.
Comment: This sequence change replaces proline, which is neutral and non-polar, with leucine, which is neutral and non-polar, at codon 802 of the MERTK protein (p.Pro802Leu). This variant is present in population databases (no rsID available, gnomAD 0.01%). This variant has not been reported in the literature in individuals affected with MERTK-related conditions. Algorithms developed to predict the effect of missense changes on protein structure and function (SIFT, PolyPhen-2, Align-GVGD) all suggest that this variant is likely to be disruptive. In summary, the available evidence is currently insufficient to determine the role of this variant in disease. Therefore, it has been classified as a Variant of Uncertain Significance.